The following is an entry in ClinVar:

NM_001080453.3(INTS1):c.435C>T (p.Ala145=)

Gene: INTS1 (integrator complex subunit 1; minus strand). Cytogenetic location: 7p22.3.
Variant type: single nucleotide variant.
Coding change: c.435C>T on transcript NM_001080453.3 (MANE Select); coding-DNA position 435, C replaced by T.
Protein change: p.Ala145=; no amino-acid change (alanine 145 retained).
Molecular consequence: synonymous variant.
Genome position (GRCh38, 1-based): chr7:1,500,281, G>A on the plus strand (C>T on the coding strand, the complement: INTS1 is on the minus strand). VCF-style: chr7-1500281-G-A. GRCh37 (hg19) VCF-style: chr7-1539917-G-A.
Identifiers: ClinVar variation 3035371 (VCV003035371.2), dbSNP rs373074294, ClinGen allele CA4120784.

ClinVar aggregate classification (germline): Likely benign (0 of 4 stars; one submission).

Conditions:
INTS1-related disorder. Also called: INTS1-related condition.

Allele frequency attached by ClinVar (database versions not stated): ExAC 0.00007; ESP Exome Variant Server 0.00008; TOPMed 0.00008.
gnomAD v4.1: 37 of 1,597,116 alleles (0.0023%); highest among the groups gnomAD compares: Middle Eastern, 0.017%; no homozygotes.

Submission:

PreventionGenetics, part of Exact Sciences
Classification: Likely benign for INTS1-related condition. Last evaluated: 2019-08-09. Review status: no assertion criteria provided. Collection method: clinical testing. Allele origin: germline.
Comment: This variant is classified as likely benign based on ACMG/AMP sequence variant interpretation guidelines (Richards et al. 2015 PMID: 25741868, with internal and published modifications).